The following is an entry in ClinVar:

NM_130839.5(UBE3A):c.2286_2291dup (p.Leu762_Asp763dup)

Genes: SNHG14 (small nucleolar RNA host gene 14; plus strand), UBE3A (ubiquitin protein ligase E3A; minus strand). Cytogenetic location: 15q11.2.
Variant type: Duplication.
Coding change: c.2286_2291dup on transcript NM_130839.5 (MANE Select); coding-DNA positions 2286 to 2291, 6 bases duplicated (AGATTT; older notation c.2286_2291dupAGATTT).
Protein change: p.Leu762_Asp763dup.
Molecular consequence: inframe insertion. On other transcripts: non-coding transcript variant (1).
Genome position (GRCh38, 1-based): chr15:25,354,416-25,354,421, AAATCT duplicated on the plus strand (AGATTT on the coding strand, the reverse complement: UBE3A is on the minus strand); duplicating any 6 consecutive bases within chr15:25,354,416-25,354,422 gives the same sequence; the c. name uses the placement nearest the transcript's 3' end. VCF-style (leftmost placement, unchanged base first): chr15-25354415-G-GAAATCT. GRCh37 (hg19) VCF-style: chr15-25599562-G-GAAATCT.
Other names: c.2295_2300dup, p.Leu765_Asp766dup (NM_000462.5); c.2286_2291dup, p.Leu762_Asp763dup (NM_001354505.1, NM_001354538.2); c.2226_2231dup, p.Leu742_Asp743dup (NM_001354506.2, NM_001354507.2, NM_001354508.2 and 14 more transcripts); c.2130_2135dup, p.Leu710_Asp711dup (NM_001354545.2); c.2109_2114dup, p.Leu703_Asp704dup (NM_001354546.2); c.2070_2075dup, p.Leu690_Asp691dup (NM_001354547.2, NM_001354548.2); c.2061_2066dup, p.Leu687_Asp688dup (NM_001354549.2); c.1035_1040dup, p.Leu345_Asp346dup (NM_001354550.2); and 1 more.
Identifiers: ClinVar variation 1372415 (VCV001372415.6), dbSNP rs2152682847, ClinGen allele CA2573150587.
Genomic context (GRCh38, chr15:25,354,415, plus strand): 5'-AATCAGAACAGAGTCCCTGGTATAGCCACCGTCATATTCTGTAGTTTCTTCTAGTGCTTG[G>GAAATCT]AAATCTAGATTCTGCAAATTCAAGAAAATATGTCTTAGTTATCTGCTATACTACTGTATC-3'

ClinVar aggregate classification (germline): Uncertain significance (1 of 4 stars; one submission).

Conditions:
Angelman syndrome (AS). Also called: HAPPY PUPPET SYNDROME. Identifiers: Orphanet 72, MedGen C0162635, MONDO:0007113, OMIM 105830. Disease mechanism: loss of function. Inheritance: AS is caused by disruption of maternally imprinted UBE3A located within the 15q11.2-q13 Angelman syndrome/Prader-Willi syndrome (AS/PWS) region., imprinting disorder.

Submission:

Labcorp Genetics (formerly Invitae), Labcorp
Classification: Uncertain significance for Angelman syndrome. Last evaluated: 2021-08-04. Review status: criteria provided, single submitter. Criteria: Invitae Variant Classification Sherloc (09022015). Collection method: clinical testing. Allele origin: germline.
Comment: In summary, the available evidence is currently insufficient to determine the role of this variant in disease. Therefore, it has been classified as a Variant of Uncertain Significance. Experimental studies and prediction algorithms are not available or were not evaluated, and the functional significance of this variant is currently unknown. This variant has not been reported in the literature in individuals affected with UBE3A-related conditions. This variant is not present in population databases (ExAC no frequency). This variant, c.2226_2231dup, results in the insertion of 2 amino acid(s) to the UBE3A protein (p.Leu742_Asp743dup), but otherwise preserves the integrity of the reading frame.